The following is an entry in ClinVar:

ClinVar aggregate classification (germline): Likely benign (0 of 4 stars; one submission).

Conditions:
COL4A2-related disorder. Also called: COL4A2-related disorders; COL4A2-related condition.

gnomAD v4.1: 1 of 1,613,690 alleles (0.000062%); highest among the groups gnomAD compares: African/African-American, 0.0013%; no homozygotes.

Submission:

PreventionGenetics, part of Exact Sciences
Classification: Likely benign for COL4A2-related condition. Last evaluated: 2023-03-22. Review status: no assertion criteria provided. Collection method: clinical testing. Allele origin: germline.
Comment: This variant is classified as likely benign based on ACMG/AMP sequence variant interpretation guidelines (Richards et al. 2015 PMID: 25741868, with internal and published modifications).

NM_001846.4(COL4A2):c.1979-3C>T

Gene: COL4A2 (collagen type IV alpha 2 chain; plus strand). Cytogenetic location: 13q34.
Variant type: single nucleotide variant.
Coding change: c.1979-3C>T on transcript NM_001846.4 (MANE Select); 3 bases into the intron before coding-DNA position 1979, C replaced by T.
Molecular consequence: intron variant.
Genome position (GRCh38, 1-based): chr13:110,466,000, C>T. VCF-style: chr13-110466000-C-T. GRCh37 (hg19) VCF-style: chr13-111118347-C-T.
Identifiers: ClinVar variation 3030024 (VCV003030024.2), dbSNP rs769345333, ClinGen allele CA695043106.